The following is an entry in ClinVar:

NM_001039112.2(FER1L6):c.5330A>C (p.Glu1777Ala)

Genes: FER1L6 (fer-1 like family member 6; plus strand), FER1L6-AS2 (FER1L6 antisense RNA 2; minus strand). Cytogenetic location: 8q24.13.
Variant type: single nucleotide variant.
Coding change: c.5330A>C on transcript NM_001039112.2 (MANE Select); coding-DNA position 5330, A replaced by C.
Protein change: p.Glu1777Ala; replaces glutamic acid 1777 with alanine.
Molecular consequence: missense variant.
Genome position (GRCh38, 1-based): chr8:124,118,884, A>C. VCF-style: chr8-124118884-A-C. GRCh37 (hg19) VCF-style: chr8-125131125-A-C.
Other names: short protein forms E1777A.
Identifiers: ClinVar variation 3094450 (VCV003094450.2), dbSNP rs755294705, ClinGen allele CA4870089.

ClinVar aggregate classification (germline): Uncertain significance. Review status: criteria provided, multiple submitters, no conflicts (2 of 4 stars). 2 submissions from 2 submitters: Uncertain significance (2). Last evaluated 2026-02-27.

Conditions:
Congenital portosystemic shunt. Identifiers: Orphanet 480531, MedGen C1290495, MONDO:0018811.

Allele frequency attached by ClinVar (database versions not stated): TOPMed 0.00003; gnomAD exomes 0.00003; gnomAD 0.00003; ExAC 0.00008.
gnomAD v4.1: 48 of 1,613,918 alleles (0.003%); highest among the groups gnomAD compares: East Asian, 0.051%; no homozygotes.

Submissions (2):

Department of Pediatrics, Graduate School of Medical Sciences, Kyushu University
Classification: Uncertain significance for Congenital portosystemic shunt. Last evaluated: 2026-02-27. Review status: criteria provided, single submitter. Criteria: ACMG Guidelines, 2015. Collection method: research. Allele origin: de novo. Affected: yes.
Comment: The variant is rare in population databases and in silico prediction tools, including CADD, suggest a potential deleterious effect on protein function. However, the association between this gene and CPSS has not been established. Therefore, the clinical significance of this variant is currently classified as a variant of uncertain significance (VUS).

Ambry Genetics
Classification: Uncertain significance. Last evaluated: 2024-03-07. Review status: criteria provided, single submitter. Criteria: Ambry Variant Classification Scheme 2023. Collection method: clinical testing. Allele origin: germline.